The following is an entry in ClinVar:

NM_003803.4(MYOM1):c.2515G>T (p.Val839Leu)

Gene: MYOM1 (myomesin 1; minus strand). Cytogenetic location: 18p11.31.
Variant type: single nucleotide variant.
Coding change: c.2515G>T on transcript NM_003803.4 (MANE Select); coding-DNA position 2515, G replaced by T.
Protein change: p.Val839Leu; replaces valine 839 with leucine.
Molecular consequence: missense variant. On other transcripts: intron variant (1).
Genome position (GRCh38, 1-based): chr18:3,129,511, C>A on the plus strand (G>T on the coding strand, the complement: MYOM1 is on the minus strand). VCF-style: chr18-3129511-C-A. GRCh37 (hg19) VCF-style: chr18-3129509-C-A.
Other names: c.2506+1864G>T (NM_019856.2); short protein forms V839L.
Identifiers: ClinVar variation 935694 (VCV000935694.9), dbSNP rs766698339, ClinGen allele CA8874588.

ClinVar aggregate classification (germline): Uncertain significance (1 of 4 stars; one submission).

Conditions:
Hypertrophic cardiomyopathy. Also called: HYPERTROPHIC MYOCARDIOPATHY. Identifiers: Orphanet 217569, MedGen C0007194, MeSH D002312, MONDO:0005045, HP:0001639.

Allele frequency attached by ClinVar (database versions not stated): gnomAD exomes below 0.00001 and 0.00002; ExAC 0.00001.
gnomAD v4.1: 5 of 1,609,026 alleles (0.00031%); highest among the groups gnomAD compares: Non-Finnish European, 0.00042%; no homozygotes.

Submission:

Labcorp Genetics (formerly Invitae), Labcorp
Classification: Uncertain significance for Hypertrophic cardiomyopathy. Last evaluated: 2025-11-10. Review status: criteria provided, single submitter. Criteria: Invitae Variant Classification Sherloc (09022015). Collection method: clinical testing. Allele origin: germline.
Comment: This sequence change replaces valine, which is neutral and non-polar, with leucine, which is neutral and non-polar, at codon 839 of the MYOM1 protein (p.Val839Leu). This variant is present in population databases (rs766698339, gnomAD 0.004%). This variant has not been reported in the literature in individuals affected with MYOM1-related conditions. ClinVar contains an entry for this variant (Variation ID: 935694). An algorithm developed to predict the effect of missense changes on protein structure and function (PolyPhen-2) suggests that this variant is likely to be tolerated. In summary, the available evidence is currently insufficient to determine the role of this variant in disease. Therefore, it has been classified as a Variant of Uncertain Significance.